The following is an entry in ClinVar:

NM_004990.4(MARS1):c.673_696dup (p.Glu232_Ile233insLeuAlaThrLeuSerGluGluGlu)

Gene: MARS1 (methionyl-tRNA synthetase 1; plus strand). Cytogenetic location: 12q13.3.
Variant type: Duplication.
Coding change: c.673_696dup on transcript NM_004990.4 (MANE Select); coding-DNA positions 673 to 696, 24 bases duplicated (CTGGCTACCCTATCTGAGGAGGAG).
Protein change: p.Glu232_Ile233insLeuAlaThrLeuSerGluGluGlu.
Molecular consequence: inframe insertion.
Genome position (GRCh38, 1-based): chr12:57,490,547-57,490,570, CTGGCTACCCTATCTGAGGAGGAG duplicated; duplicating any 24 consecutive bases within chr12:57,490,538-57,490,570 gives the same sequence; the c. name uses the placement nearest the transcript's 3' end. VCF-style (leftmost placement, unchanged base first): chr12-57490537-G-GGAGGAGGAGCTGGCTACCCTATCT. GRCh37 (hg19) VCF-style: chr12-57884320-G-GGAGGAGGAGCTGGCTACCCTATCT.
Identifiers: ClinVar variation 2094324 (VCV002094324.4), dbSNP rs774608420, ClinGen allele CA6650254.

ClinVar aggregate classification (germline): Uncertain significance (1 of 4 stars; one submission).

Conditions:
Severe early-onset pulmonary alveolar proteinosis due to MARS deficiency. Also called: Interstitial lung and liver disease; PULMONARY ALVEOLAR PROTEINOSIS, REUNION ISLAND. Identifiers: Orphanet 440427, MedGen C4225400, MONDO:0014206, OMIM 615486.
Charcot-Marie-Tooth disease axonal type 2U. Also called: CHARCOT-MARIE-TOOTH NEUROPATHY, TYPE 2U; CHARCOT-MARIE-TOOTH DISEASE, AXONAL, AUTOSOMAL DOMINANT, TYPE 2U. Identifiers: Orphanet 397735, MedGen C4084821, MONDO:0014566, OMIM 616280.

Submission:

Labcorp Genetics (formerly Invitae), Labcorp
Classification: Uncertain significance for Charcot-Marie-Tooth disease axonal type 2U; Severe early-onset pulmonary alveolar proteinosis due to MARS deficiency. Last evaluated: 2022-09-21. Review status: criteria provided, single submitter. Criteria: Invitae Variant Classification Sherloc (09022015). Collection method: clinical testing. Allele origin: germline.
Comment: In summary, the available evidence is currently insufficient to determine the role of this variant in disease. Therefore, it has been classified as a Variant of Uncertain Significance. This variant has not been reported in the literature in individuals affected with MARS-related conditions. Algorithms developed to predict the effect of sequence changes on RNA splicing suggest that this variant may disrupt the consensus splice site. This variant is present in population databases (rs774608420, gnomAD no frequency). This variant, c.673_696dup, results in the insertion of 8 amino acid(s) of the MARS protein (p.Leu225_Glu232dup), but otherwise preserves the integrity of the reading frame.